The following is an entry in ClinVar:

NM_000150.4(FUT6):c.957T>G (p.Phe319Leu)

Gene: FUT6 (fucosyltransferase 6; minus strand). Cytogenetic location: 19p13.3.
Variant type: single nucleotide variant.
Coding change: c.957T>G on transcript NM_000150.4 (MANE Select); coding-DNA position 957, T replaced by G.
Protein change: p.Phe319Leu; replaces phenylalanine 319 with leucine.
Molecular consequence: missense variant.
Genome position (GRCh38, 1-based): chr19:5,831,611, A>C on the plus strand (T>G on the coding strand, the complement: FUT6 is on the minus strand). VCF-style: chr19-5831611-A-C. GRCh37 (hg19) VCF-style: chr19-5831622-A-C.
Other names: c.957T>G, p.Phe319Leu (NM_001040701.2, NM_001369502.1, NM_001369504.1 and 6 more transcripts); short protein forms F319L.
Identifiers: ClinVar variation 1049322 (VCV001049322.1), dbSNP rs756266523, ClinGen allele CA403537518.

ClinVar aggregate classification (germline): Uncertain significance (0 of 4 stars; one submission).

gnomAD v4.1: 3 of 1,614,030 alleles (0.00019%); highest among the groups gnomAD compares: Non-Finnish European, 0.00025%; no homozygotes.

Submission:

Department of Pathology and Laboratory Medicine, Sinai Health System
Classification: Uncertain significance. Review status: no assertion criteria provided. Collection method: clinical testing. Allele origin: unknown. Affected: yes. Study: The Canadian Open Genetics Repository (COGR).
Comment: The FUT6 p.Phe319Leu variant was not identified in the literature nor was it identified in dbSNP, ClinVar, Cosmic, LOVD 3.0 or in the following control databases: the 1000 Genomes Project, the NHLBI GO Exome Sequencing Project, the Exome Aggregation Consortium (August 8th 2016), or the Genome Aggregation Database (Feb 27, 2017). The p.Phe319 residue is conserved in mammals but not in more distantly related organisms however four out of five computational analyses (SIFT, AlignGVGD, BLOSUM, MutationTaster) do not suggest a high likelihood of impact to the protein; this information is not predictive enough to rule out pathogenicity. The variant occurs outside of the splicing consensus sequence and in silico or computational prediction software programs (SpliceSiteFinder, MaxEntScan, NNSPLICE, GeneSplicer) do not predict a difference in splicing. In summary, based on the above information the clinical significance of this variant cannot be determined with certainty at this time. This variant is classified as a variant of uncertain significance.